The following is an entry in ClinVar:

ClinVar aggregate classification (germline): Benign/Likely benign. Review status: criteria provided, multiple submitters, no conflicts (2 of 4 stars). 3 submissions from 3 submitters: Benign (1); Likely benign (2). Last evaluated 2026-01-21.

Allele frequency attached by ClinVar (database versions not stated): 1000 Genomes Project 30x 0.00047; gnomAD exomes 0.00052 and 0.00054; 1000 Genomes Project 0.00060; gnomAD 0.00124 and 0.00130; TOPMed 0.00139; ESP Exome Variant Server 0.00219; ExAC 0.00292.
gnomAD v4.1: 947 of 1,535,742 alleles (0.062%); highest among the groups gnomAD compares: Middle Eastern, 0.34%; 8 homozygotes.

Submissions (3):

Labcorp Genetics (formerly Invitae), Labcorp
Classification: Benign. Last evaluated: 2026-01-21. Review status: criteria provided, single submitter. Criteria: Invitae Variant Classification Sherloc (09022015). Collection method: clinical testing. Allele origin: germline.

Blueprint Genetics
Classification: Likely benign. Last evaluated: 2024-11-26. Review status: criteria provided, single submitter. Criteria: ACMG Guidelines, 2015. Collection method: clinical testing. Allele origin: germline.

CeGaT Center for Human Genetics Tuebingen
Classification: Likely benign. Last evaluated: 2022-08-01. Review status: criteria provided, single submitter. Criteria: CeGaT Center For Human Genetics Tuebingen Variant Classification Criteria Version 2. Collection method: clinical testing. Allele origin: germline. Affected: yes. Observed: 1 variant allele.
Comment: FAM20C: BP4, BP7

NM_020223.4(FAM20C):c.1026C>T (p.Asp342=)

Gene: FAM20C (FAM20C golgi associated secretory pathway kinase; plus strand). Cytogenetic location: 7p22.3.
Variant type: single nucleotide variant.
Coding change: c.1026C>T on transcript NM_020223.4 (MANE Select); coding-DNA position 1026, C replaced by T.
Protein change: p.Asp342=; no amino-acid change (aspartic acid 342 retained).
Molecular consequence: synonymous variant.
Genome position (GRCh38, 1-based): chr7:248,384, C>T. VCF-style: chr7-248384-C-T. GRCh37 (hg19) VCF-style: chr7-288350-C-T.
Identifiers: ClinVar variation 717475 (VCV000717475.34), dbSNP rs377615599, ClinGen allele CA4109111.